The following is an entry in ClinVar:

ClinVar aggregate classification (germline): Conflicting classifications of pathogenicity. Review status: criteria provided, conflicting classifications (1 of 4 stars). 2 submissions from 2 submitters: Likely pathogenic (1); Uncertain significance (1). Last evaluated 2025-09-15.

Allele frequency attached by ClinVar (database versions not stated): gnomAD exomes 0.00001; TOPMed below 0.00001.
gnomAD v4.1: 8 of 1,552,660 alleles (0.00052%); highest among the groups gnomAD compares: Non-Finnish European, 0.0007%; no homozygotes.

Submissions (2):

Labcorp Genetics (formerly Invitae), Labcorp
Classification: Likely pathogenic. Last evaluated: 2025-09-15. Review status: criteria provided, single submitter. Criteria: Invitae Variant Classification Sherloc (09022015). Collection method: clinical testing. Allele origin: germline.
Comment: This sequence change affects a donor splice site in intron 20 of the MYO18B gene. It is expected to disrupt RNA splicing. Variants that disrupt the donor or acceptor splice site typically lead to a loss of protein function (PMID: 16199547), and loss-of-function variants in MYO18B are known to be pathogenic (PMID: 25748484, 32184166, 32637634). The frequency data for this variant in the population databases is considered unreliable, as metrics indicate poor data quality at this position in the gnomAD database. This variant has not been reported in the literature in individuals affected with MYO18B-related conditions. ClinVar contains an entry for this variant (Variation ID: 1308104). Algorithms developed to predict the effect of sequence changes on RNA splicing suggest that this variant may disrupt the consensus splice site. In summary, the currently available evidence indicates that the variant is pathogenic, but additional data are needed to prove that conclusively. Therefore, this variant has been classified as Likely Pathogenic.

GeneDx
Classification: Uncertain significance. Last evaluated: 2019-08-21. Review status: criteria provided, single submitter. Criteria: GeneDx Variant Classification Process June 2021. Collection method: clinical testing. Allele origin: germline. Affected: yes.
Comment: Canonical splice site variant in a gene for which loss-of-function is not a known mechanism of disease; Has not been previously published as pathogenic or benign to our knowledge; Variants in candidate genes are classified as variants of uncertain significance in accordance with ACMG guidelines (Richards et al., 2015)

Literature cited by the submitters: PubMed 16199547 (cited by Labcorp Genetics (formerly Invitae), Labcorp); PubMed 25748484 (cited by Labcorp Genetics (formerly Invitae), Labcorp); PubMed 32184166 (cited by Labcorp Genetics (formerly Invitae), Labcorp); PubMed 32637634 (cited by Labcorp Genetics (formerly Invitae), Labcorp).

NM_032608.7(MYO18B):c.3775+1G>C

Gene: MYO18B (myosin XVIIIB; plus strand). Cytogenetic location: 22q12.1.
Variant type: single nucleotide variant.
Coding change: c.3775+1G>C on transcript NM_032608.7 (MANE Select); the canonical splice donor site of the intron after coding-DNA position 3775, G replaced by C.
Molecular consequence: splice donor variant.
Genome position (GRCh38, 1-based): chr22:25,847,653, G>C. VCF-style: chr22-25847653-G-C. GRCh37 (hg19) VCF-style: chr22-26243620-G-C.
Other names: c.3778+1G>C (NM_001318245.2).
Identifiers: ClinVar variation 1308104 (VCV001308104.7), dbSNP rs539007966, ClinGen allele CA322775171.